The following is an entry in ClinVar:

ClinVar aggregate classification (germline): Benign/Likely benign. Review status: criteria provided, multiple submitters, no conflicts (2 of 4 stars). 8 submissions from 7 submitters: Benign (6); Likely benign (2). Last evaluated 2026-02-04.

Conditions:
Autosomal dominant nonsyndromic hearing loss 36. Identifiers: Orphanet 90635, MedGen C1847626, MONDO:0011708, OMIM 606705.
Autosomal recessive nonsyndromic hearing loss 7. Also called: DEAFNESS, AUTOSOMAL RECESSIVE 11. Identifiers: Orphanet 90636, MedGen C1832978, MONDO:0010967, OMIM 600974.

Allele frequency attached by ClinVar (database versions not stated): 1000 Genomes Project 30x 0.04747; 1000 Genomes Project 0.04812; TOPMed 0.08583; gnomAD 0.08628 and 0.08866; gnomAD exomes 0.08895 and 0.11427; ExAC 0.09272; ESP Exome Variant Server 0.10234.
gnomAD v4.1: 179,449 of 1,612,570 alleles (11%); highest among the groups gnomAD compares: Non-Finnish European, 13%; 11,186 homozygotes.

Submissions (8):

Labcorp Genetics (formerly Invitae), Labcorp
Classification: Benign. Last evaluated: 2026-02-04. Review status: criteria provided, single submitter. Criteria: Invitae Variant Classification Sherloc (09022015). Collection method: clinical testing. Allele origin: germline.

Mayo Clinic Laboratories, Mayo Clinic
Classification: Benign. Last evaluated: 2020-12-04. Review status: criteria provided, single submitter. Criteria: ACMG Guidelines, 2015. Collection method: clinical testing. Allele origin: germline. Observed: 24 variant alleles.

Illumina Laboratory Services, Illumina
Classification: Likely benign for Autosomal recessive nonsyndromic hearing loss 7. Last evaluated: 2018-01-12. Review status: criteria provided, single submitter. Criteria: ICSL Variant Classification Criteria 13 December 2019. Collection method: clinical testing. Allele origin: germline.
Comment: This variant was observed in the ICSL laboratory as part of a predisposition screen in an ostensibly healthy population. It had not been previously curated by ICSL or reported in the Human Gene Mutation Database (HGMD: prior to June 1st, 2018), and was therefore a candidate for classification through an automated scoring system. Utilizing variant allele frequency, disease prevalence and penetrance estimates, and inheritance mode, an automated score was calculated to assess if this variant is too frequent to cause the disease. Based on the score and internal cut-off values, a variant classified as likely benign is not then subjected to further curation. The score for this variant resulted in a classification of likely benign for this disease.

Illumina Laboratory Services, Illumina
Classification: Benign for Autosomal dominant nonsyndromic hearing loss 36. Last evaluated: 2018-01-12. Review status: criteria provided, single submitter. Criteria: ICSL Variant Classification Criteria 13 December 2019. Collection method: clinical testing. Allele origin: germline.
Comment: This variant was observed in the ICSL laboratory as part of a predisposition screen in an ostensibly healthy population. It had not been previously curated by ICSL or reported in the Human Gene Mutation Database (HGMD: prior to June 1st, 2018), and was therefore a candidate for classification through an automated scoring system. Utilizing variant allele frequency, disease prevalence and penetrance estimates, and inheritance mode, an automated score was calculated to assess if this variant is too frequent to cause the disease. Based on the score and internal cut-off values, a variant classified as benign is not then subjected to further curation. The score for this variant resulted in a classification of benign for this disease.

GeneDx
Classification: Benign. Last evaluated: 2017-08-18. Review status: criteria provided, single submitter. Criteria: GeneDx Variant Classification (06012015). Collection method: clinical testing. Allele origin: germline. Affected: yes.
Comment: This variant is considered likely benign or benign based on one or more of the following criteria: it is a conservative change, it occurs at a poorly conserved position in the protein, it is predicted to be benign by multiple in silico algorithms, and/or has population frequency not consistent with disease.

Laboratory for Molecular Medicine, Mass General Brigham Personalized Medicine
Classification: Benign. Last evaluated: 2009-06-23. Review status: criteria provided, single submitter. Criteria: LMM Criteria. Collection method: clinical testing. Allele origin: germline. Observed: 372 variant alleles.

Breakthrough Genomics
Classification: Likely benign. Review status: criteria provided, single submitter. Criteria: ACMG Guidelines, 2015. Collection method: not provided. Allele origin: germline. Inheritance: Autosomal recessive inheritance. Affected: yes.

PreventionGenetics, part of Exact Sciences
Classification: Benign. Review status: criteria provided, single submitter. Criteria: ACMG Guidelines, 2015. Collection method: clinical testing. Allele origin: germline.

NM_138691.3(TMC1):c.1713C>T (p.Phe571=)

Gene: TMC1 (transmembrane channel like 1; plus strand). Cytogenetic location: 9q21.13.
Variant type: single nucleotide variant.
Coding change: c.1713C>T on transcript NM_138691.3 (MANE Select); coding-DNA position 1713, C replaced by T.
Protein change: p.Phe571=; no amino-acid change (phenylalanine 571 retained).
Molecular consequence: synonymous variant.
Genome position (GRCh38, 1-based): chr9:72,816,160, C>T. VCF-style: chr9-72816160-C-T. GRCh37 (hg19) VCF-style: chr9-75431076-C-T.
Other names: p.Phe571=.
Identifiers: ClinVar variation 47863 (VCV000047863.19), dbSNP rs34532421, ClinGen allele CA142061.